The following is an entry in ClinVar:

ClinVar aggregate classification (germline): Uncertain significance (1 of 4 stars; one submission).

Allele frequency attached by ClinVar (database versions not stated): ExAC 0.00001; gnomAD 0.00001; gnomAD exomes 0.00001; TOPMed 0.00003; ESP Exome Variant Server 0.00008.
gnomAD v4.1: 14 of 1,610,128 alleles (0.00087%); highest among the groups gnomAD compares: Non-Finnish European, 0.0012%; no homozygotes.

Submission:

Labcorp Genetics (formerly Invitae), Labcorp
Classification: Uncertain significance. Last evaluated: 2022-08-23. Review status: criteria provided, single submitter. Criteria: Invitae Variant Classification Sherloc (09022015). Collection method: clinical testing. Allele origin: germline.
Comment: In summary, the available evidence is currently insufficient to determine the role of this variant in disease. Therefore, it has been classified as a Variant of Uncertain Significance. Experimental studies and prediction algorithms are not available or were not evaluated, and the functional significance of this variant is currently unknown. ClinVar contains an entry for this variant (Variation ID: 1422899). This variant has not been reported in the literature in individuals affected with KIZ-related conditions. This variant is present in population databases (rs367712010, gnomAD 0.002%). This sequence change replaces aspartic acid, which is acidic and polar, with valine, which is neutral and non-polar, at codon 587 of the KIZ protein (p.Asp587Val).

NM_018474.6(KIZ):c.1760A>T (p.Asp587Val)

Gene: KIZ (kizuna centrosomal protein; plus strand). Cytogenetic location: 20p11.23.
Variant type: single nucleotide variant.
Coding change: c.1760A>T on transcript NM_018474.6 (MANE Select); coding-DNA position 1760, A replaced by T.
Protein change: p.Asp587Val; replaces aspartic acid 587 with valine.
Molecular consequence: missense variant.
Genome position (GRCh38, 1-based): chr20:21,229,092, A>T. VCF-style: chr20-21229092-A-T. GRCh37 (hg19) VCF-style: chr20-21209730-A-T.
Other names: c.1451A>T, p.Asp484Val (NM_001163022.3); c.1361A>T, p.Asp454Val (NM_001163023.3); c.1613A>T, p.Asp538Val (NM_001276389.2); c.1706A>T, p.Asp569Val (NM_001352434.2); c.1397A>T, p.Asp466Val (NM_001352435.2); c.1418A>T, p.Asp473Val (NM_001352436.2); short protein forms D587V, D466V, D473V, D484V, D454V, D538V, D569V.
Identifiers: ClinVar variation 1422899 (VCV001422899.4), dbSNP rs367712010, ClinGen allele CA9784965.